The following is an entry in ClinVar:

ClinVar aggregate classification (germline): Uncertain significance. Review status: criteria provided, multiple submitters, no conflicts (2 of 4 stars). 2 submissions from 2 submitters: Uncertain significance (2). Last evaluated 2025-05-14.

Allele frequency attached by ClinVar (database versions not stated): TOPMed below 0.00001; ExAC 0.00001; gnomAD 0.00001; gnomAD exomes 0.00001.
gnomAD v4.1: 13 of 1,613,718 alleles (0.00081%); highest among the groups gnomAD compares: South Asian, 0.0011%; no homozygotes.

Submissions (2):

Labcorp Genetics (formerly Invitae), Labcorp
Classification: Uncertain significance. Last evaluated: 2025-05-14. Review status: criteria provided, single submitter. Criteria: Invitae Variant Classification Sherloc (09022015). Collection method: clinical testing. Allele origin: germline.
Comment: This sequence change replaces glutamic acid, which is acidic and polar, with lysine, which is basic and polar, at codon 666 of the ZNF408 protein (p.Glu666Lys). This variant is present in population databases (rs756397869, gnomAD 0.005%). This variant has not been reported in the literature in individuals affected with ZNF408-related conditions. ClinVar contains an entry for this variant (Variation ID: 1904023). An algorithm developed to predict the effect of missense changes on protein structure and function (PolyPhen-2) suggests that this variant is likely to be tolerated. In summary, the available evidence is currently insufficient to determine the role of this variant in disease. Therefore, it has been classified as a Variant of Uncertain Significance.

Blueprint Genetics
Classification: Uncertain significance. Last evaluated: 2022-01-11. Review status: criteria provided, single submitter. Criteria: ACMG Guidelines, 2015. Collection method: clinical testing. Allele origin: germline.

NM_024741.3(ZNF408):c.1996G>A (p.Glu666Lys)

Gene: ZNF408 (zinc finger protein 408; plus strand). Cytogenetic location: 11p11.2.
Variant type: single nucleotide variant.
Coding change: c.1996G>A on transcript NM_024741.3 (MANE Select); coding-DNA position 1996, G replaced by A.
Protein change: p.Glu666Lys; replaces glutamic acid 666 with lysine.
Molecular consequence: missense variant.
Genome position (GRCh38, 1-based): chr11:46,705,696, G>A. VCF-style: chr11-46705696-G-A. GRCh37 (hg19) VCF-style: chr11-46727246-G-A.
Other names: c.1972G>A, p.Glu658Lys (NM_001184751.2); short protein forms E658K, E666K.
Identifiers: ClinVar variation 1904023 (VCV001904023.6), dbSNP rs756397869, ClinGen allele CA5966690.